The following is an entry in ClinVar:

ClinVar aggregate classification (germline): Uncertain significance. Review status: criteria provided, multiple submitters, no conflicts (2 of 4 stars). 2 submissions from 2 submitters: Uncertain significance (2). Last evaluated 2024-05-03.

Conditions:
Cranioectodermal dysplasia 1 (CED1). Also called: LEVIN SYNDROME I. Identifiers: Orphanet 1515, MedGen C0432235, MONDO:0021093, OMIM 218330.

Allele frequency attached by ClinVar (database versions not stated): gnomAD exomes below 0.00001; TOPMed 0.00001.
gnomAD v4.1: 1 of 1,585,640 alleles (0.000063%); highest among the groups gnomAD compares: Admixed American, 0.0018%; no homozygotes.

Submissions (2):

Fulgent Genetics
Classification: Uncertain significance for Cranioectodermal dysplasia 1. Last evaluated: 2024-05-03. Review status: criteria provided, single submitter. Criteria: ACMG Guidelines, 2015. Collection method: clinical testing. Allele origin: germline.

Labcorp Genetics (formerly Invitae), Labcorp
Classification: Uncertain significance for Cranioectodermal dysplasia 1. Last evaluated: 2022-02-22. Review status: criteria provided, single submitter. Criteria: Invitae Variant Classification Sherloc (09022015). Collection method: clinical testing. Allele origin: germline.
Comment: In summary, the available evidence is currently insufficient to determine the role of this variant in disease. Therefore, it has been classified as a Variant of Uncertain Significance. Variants that disrupt the consensus splice site are a relatively common cause of aberrant splicing (PMID: 17576681, 9536098). Algorithms developed to predict the effect of sequence changes on RNA splicing suggest that this variant is not likely to affect RNA splicing. This variant has not been reported in the literature in individuals affected with IFT122-related conditions. The frequency data for this variant in the population databases is considered unreliable, as metrics indicate poor data quality at this position in the gnomAD database. This sequence change falls in intron 16 of the IFT122 gene. It does not directly change the encoded amino acid sequence of the IFT122 protein. It affects a nucleotide within the consensus splice site.

Literature cited by the submitters: PubMed 17576681 (cited by Labcorp Genetics (formerly Invitae), Labcorp); PubMed 9536098 (cited by Labcorp Genetics (formerly Invitae), Labcorp).

NM_052989.3(IFT122):c.1851+3A>G

Gene: IFT122 (intraflagellar transport 122; plus strand). Cytogenetic location: 3q21.3.
Variant type: single nucleotide variant.
Coding change: c.1851+3A>G on transcript NM_052989.3 (MANE Select); 3 bases into the intron after coding-DNA position 1851, A replaced by G.
Molecular consequence: intron variant.
Genome position (GRCh38, 1-based): chr3:129,483,685, A>G. VCF-style: chr3-129483685-A-G. GRCh37 (hg19) VCF-style: chr3-129202528-A-G.
Other names: c.1401+3A>G (NM_001280545.2); c.2004+3A>G (NM_052985.4); c.1827+3A>G (NM_001280541.2); c.1674+3A>G (NM_018262.4); c.1224+3A>G (NM_001280546.2); c.1518+3A>G (NM_052990.3).
Identifiers: ClinVar variation 2181634 (VCV002181634.5), dbSNP rs1329075518, ClinGen allele CA546215272.
Genomic context (GRCh38, chr3:129,483,685, plus strand): 5'-TGGCTCCAAGATCTTCTGCCTCCATGTCTTCTCCATTTCTGCCGTGGAGGTGCCGCAGGT[A>G]ACTGGGGGTGCCTGTCCACTCTTAGCACTGGCAAGGCTGACAAGACCAGGGAAGCTGGGC-3'